The following is an entry in ClinVar:

ClinVar aggregate classification (germline): Pathogenic. Review status: criteria provided, single submitter (1 of 4 stars). 2 submissions from 1 submitter: Pathogenic (2). Last evaluated 2017-01-01.

Conditions:
Elevated circulating creatine kinase activity. Also called: Elevated serum creatine phosphokinase; Elevated creatine kinase; Elevated circulating creatine kinase concentration. Identifiers: MedGen C0241005, HP:0003236.
Atrial septal defect (ASD). Also called: Defect in the atrial septum; Interatrial communication. Identifiers: Orphanet 1478, MedGen C0018817, MONDO:0006664, HP:0001631.
Dilated cardiomyopathy 3B (CMD3B). Also called: DMD-Associated Dilated Cardiomyopathy; CMD3B: DMD-Related Dilated Cardiomyopathy; CARDIOMYOPATHY, DILATED, X-LINKED. Identifiers: Orphanet 154, MedGen C3668940, MONDO:0010542, OMIM 302045.

Submissions (2):

Centre for Mendelian Genomics, University Medical Centre Ljubljana
Classification: Pathogenic for Atrial septal defect; Elevated circulating creatine kinase activity. Last evaluated: 2017-01-01. Review status: criteria provided, single submitter. Criteria: ACMG Guidelines, 2015. Collection method: clinical testing. Allele origin: unknown. Affected: yes.

Centre for Mendelian Genomics, University Medical Centre Ljubljana
Classification: Pathogenic for Dilated cardiomyopathy 3B. Last evaluated: 2016-01-01. Review status: criteria provided, single submitter. Criteria: ACMG Guidelines, 2015. Collection method: clinical testing. Allele origin: unknown. Affected: yes.
Comment: This variant was classified as: Pathogenic. This variant was detected in hemizygous state.

NM_004006.3(DMD):c.93+1G>C

Gene: DMD (dystrophin; minus strand). Cytogenetic location: Xp21.1.
Variant type: single nucleotide variant.
Coding change: c.93+1G>C on transcript NM_004006.3 (MANE Select); the canonical splice donor site of the intron after coding-DNA position 93, G replaced by C.
Molecular consequence: splice donor variant.
Genome position (GRCh38, 1-based): chrX:33,020,138, C>G on the plus strand (G>C on the coding strand, the complement: DMD is on the minus strand). VCF-style: chrX-33020138-C-G. GRCh37 (hg19) VCF-style: chrX-33038255-C-G.
Other names: c.69+1G>C (NM_000109.4); c.81+1G>C (NM_004009.3); c.-277+1G>C (NM_004010.3).
Identifiers: ClinVar variation 523470 (VCV000523470.4), dbSNP rs886042604, ClinGen allele CA412675209.